The following is an entry in ClinVar:

NM_000138.5(FBN1):c.4096G>C (p.Glu1366Gln)

Gene: FBN1 (fibrillin 1; minus strand). Cytogenetic location: 15q21.1.
Variant type: single nucleotide variant.
Coding change: c.4096G>C on transcript NM_000138.5 (MANE Select); coding-DNA position 4096, G replaced by C.
Protein change: p.Glu1366Gln; replaces glutamic acid 1366 with glutamine.
Molecular consequence: missense variant.
Genome position (GRCh38, 1-based): chr15:48,474,369, C>G on the plus strand (G>C on the coding strand, the complement: FBN1 is on the minus strand). VCF-style: chr15-48474369-C-G. GRCh37 (hg19) VCF-style: chr15-48766566-C-G.
Other names: short protein forms E1366Q.
Identifiers: ClinVar variation 263872 (VCV000263872.10), dbSNP rs763449629, ClinGen allele CA052073.

ClinVar aggregate classification (germline): Conflicting classifications of pathogenicity. Review status: criteria provided, conflicting classifications (1 of 4 stars). 2 submissions from 2 submitters: Likely pathogenic (1); Uncertain significance (1). Last evaluated 2025-11-24.

Conditions:
Marfan syndrome (MFS). Also called: MARFAN SYNDROME, TYPE I; FBN1-Related Marfan Syndrome; Marfan syndrome, classic; Marfan syndrome type 1; Marfan's syndrome. Identifiers: Orphanet 284963, Orphanet 558, MedGen C0024796, MONDO:0007947, OMIM 154700.
Familial thoracic aortic aneurysm and aortic dissection (TAAD). Also called: Thoracic aortic aneurysms and dissections. Identifiers: Orphanet 91387, MedGen C4707243, MONDO:0019625.

Allele frequency attached by ClinVar (database versions not stated): gnomAD exomes below 0.00001; ExAC 0.00001.
gnomAD v4.1: 1 of 1,613,972 alleles (0.000062%); highest among the groups gnomAD compares: Non-Finnish European, 0.000085%; no homozygotes.

Submissions (2):

Labcorp Genetics (formerly Invitae), Labcorp
Classification: Likely pathogenic for Marfan syndrome; Familial thoracic aortic aneurysm and aortic dissection. Last evaluated: 2025-11-24. Review status: criteria provided, single submitter. Criteria: Invitae Variant Classification Sherloc (09022015). Collection method: clinical testing. Allele origin: germline.
Comment: This sequence change replaces glutamic acid, which is acidic and polar, with glutamine, which is neutral and polar, at codon 1366 of the FBN1 protein (p.Glu1366Gln). This variant is present in population databases (rs763449629, gnomAD 0.0009%). This variant has not been reported in the literature in individuals affected with FBN1-related conditions. ClinVar contains an entry for this variant (Variation ID: 263872). Invitae Evidence Modeling of protein sequence and biophysical properties (such as structural, functional, and spatial information, amino acid conservation, physicochemical variation, residue mobility, and thermodynamic stability) indicates that this missense variant is expected to disrupt FBN1 protein function with a positive predictive value of 95%. This variant disrupts the p.Glu1366 amino acid residue in FBN1. Other variant(s) that disrupt this residue have been determined to be pathogenic (PMID: 14695540, 16342915, 17657824, 24199744, 27611364, 27724990, 31098894). This suggests that this residue is clinically significant, and that variants that disrupt this residue are likely to be disease-causing. In summary, the currently available evidence indicates that the variant is pathogenic, but additional data are needed to prove that conclusively. Therefore, this variant has been classified as Likely Pathogenic.

Ambry Genetics
Classification: Uncertain significance for Familial thoracic aortic aneurysm and aortic dissection. Last evaluated: 2017-06-05. Review status: criteria provided, single submitter. Criteria: Ambry Variant Classification Scheme 2023. Collection method: clinical testing. Allele origin: germline.
Comment: The p.E1366Q variant (also known as c.4096G>C), located in coding exon 33 of the FBN1 gene, results from a G to C substitution at nucleotide position 4096. The glutamic acid at codon 1366 is replaced by glutamine, an amino acid with some highly similar properties, and is located in the cb EGF-like #19 domain. An alteration affecting the same amino acid (p.E1366K, c.4096G>A) has been previously reported in association with Marfan syndrome related features (Biggin A et al. Hum Mut 2004;23:99-106). This amino acid position is highly conserved in available vertebrate species. In addition, this alteration is predicted to be deleterious by in silico analysis. Since supporting evidence is limited at this time, the clinical significance of this alteration remains unclear.

Literature cited by the submitters: PubMed 14695540 (cited by Labcorp Genetics (formerly Invitae), Labcorp and Ambry Genetics); PubMed 16342915 (cited by Labcorp Genetics (formerly Invitae), Labcorp); PubMed 17657824 (cited by Labcorp Genetics (formerly Invitae), Labcorp); PubMed 24199744 (cited by Labcorp Genetics (formerly Invitae), Labcorp and Ambry Genetics); PubMed 27611364 (cited by Labcorp Genetics (formerly Invitae), Labcorp); PubMed 27724990 (cited by Labcorp Genetics (formerly Invitae), Labcorp); PubMed 31098894 (cited by Labcorp Genetics (formerly Invitae), Labcorp); PubMed 15221638 (cited by Ambry Genetics).